The following is an entry in ClinVar:

NM_002291.3(LAMB1):c.3435C>G (p.Asp1145Glu)

Gene: LAMB1 (laminin subunit beta 1; minus strand). Cytogenetic location: 7q31.1.
Variant type: single nucleotide variant.
Coding change: c.3435C>G on transcript NM_002291.3 (MANE Select); coding-DNA position 3435, C replaced by G.
Protein change: p.Asp1145Glu; replaces aspartic acid 1145 with glutamic acid.
Molecular consequence: missense variant.
Genome position (GRCh38, 1-based): chr7:107,940,315, G>C on the plus strand (C>G on the coding strand, the complement: LAMB1 is on the minus strand). VCF-style: chr7-107940315-G-C. GRCh37 (hg19) VCF-style: chr7-107580760-G-C.
Other names: short protein forms D1145E.
Identifiers: ClinVar variation 1716505 (VCV001716505.6), dbSNP rs1483830262, ClinGen allele CA368859259.

ClinVar aggregate classification (germline): Uncertain significance (1 of 4 stars; one submission).

gnomAD v4.1: 1 of 1,614,190 alleles (0.000062%); highest among the groups gnomAD compares: Non-Finnish European, 0.000085%; no homozygotes.

Submission:

Labcorp Genetics (formerly Invitae), Labcorp
Classification: Uncertain significance. Last evaluated: 2022-11-01. Review status: criteria provided, single submitter. Criteria: Invitae Variant Classification Sherloc (09022015). Collection method: clinical testing. Allele origin: germline.
Comment: This sequence change replaces aspartic acid, which is acidic and polar, with glutamic acid, which is acidic and polar, at codon 1145 of the LAMB1 protein (p.Asp1145Glu). In summary, the available evidence is currently insufficient to determine the role of this variant in disease. Therefore, it has been classified as a Variant of Uncertain Significance. Algorithms developed to predict the effect of missense changes on protein structure and function are either unavailable or do not agree on the potential impact of this missense change (SIFT: "Deleterious"; PolyPhen-2: "Benign"; Align-GVGD: "Class C35"). This variant has not been reported in the literature in individuals affected with LAMB1-related conditions. This variant is not present in population databases (gnomAD no frequency).